The following is an entry in ClinVar:

ClinVar aggregate classification (germline): Uncertain significance (1 of 4 stars; one submission).

Allele frequency attached by ClinVar (database versions not stated): gnomAD 0.00001; TOPMed 0.00001.
gnomAD v4.1: 62 of 1,613,140 alleles (0.0038%); highest among the groups gnomAD compares: Non-Finnish European, 0.0052%; no homozygotes.

Submission:

Labcorp Genetics (formerly Invitae), Labcorp
Classification: Uncertain significance. Last evaluated: 2022-07-13. Review status: criteria provided, single submitter. Criteria: Invitae Variant Classification Sherloc (09022015). Collection method: clinical testing. Allele origin: germline.
Comment: In summary, the available evidence is currently insufficient to determine the role of this variant in disease. Therefore, it has been classified as a Variant of Uncertain Significance. Algorithms developed to predict the effect of missense changes on protein structure and function are either unavailable or do not agree on the potential impact of this missense change (SIFT: "Not Available"; PolyPhen-2: "Probably Damaging"; Align-GVGD: "Not Available"). This variant has not been reported in the literature in individuals affected with CEP250-related conditions. The frequency data for this variant in the population databases is considered unreliable, as metrics indicate poor data quality at this position in the gnomAD database. This sequence change replaces glycine, which is neutral and non-polar, with arginine, which is basic and polar, at codon 1194 of the CEP250 protein (p.Gly1194Arg).

NM_007186.6(CEP250):c.3580G>C (p.Gly1194Arg)

Gene: CEP250 (centrosomal protein 250; plus strand). Cytogenetic location: 20q11.22.
Variant type: single nucleotide variant.
Coding change: c.3580G>C on transcript NM_007186.6 (MANE Select); coding-DNA position 3580, G replaced by C.
Protein change: p.Gly1194Arg; replaces glycine 1194 with arginine.
Molecular consequence: missense variant.
Genome position (GRCh38, 1-based): chr20:35,497,992, G>C. VCF-style: chr20-35497992-G-C. GRCh37 (hg19) VCF-style: chr20-34085821-G-C.
Other names: c.1684G>C, p.Gly562Arg (NM_001318219.1); short protein forms G1194R, G562R.
Identifiers: ClinVar variation 1898846 (VCV001898846.5), dbSNP rs762084247, ClinGen allele CA408744652.
Genomic context (GRCh38, chr20:35,497,992, plus strand): 5'-AACCAGGCCCAGGCCCAGGCCCAGCTGGCCAGCCTCTACTCTGCCCTGCAGCAGGCCCTG[G>C]GGTCTGTTTGTGAGAGCAGGCCTGAGCTGAGTGGTGGGGGAGACTCTGCTCCTTCCGTCT-3'
Protein context (NP_009117.2, residues 1184-1204): SLYSALQQAL[Gly1194Arg]SVCESRPELS